The following is an entry in ClinVar:

ClinVar aggregate classification (germline): Pathogenic (1 of 4 stars; one submission).

Conditions:
Acrocallosal syndrome (ACLS). Also called: Schinzel syndrome 1; Absence of corpus callosum with unusual facial appearance, mental deficiency, duplication of the halluces and polydactyly; HALLUX DUPLICATION, POSTAXIAL POLYDACTYLY, AND ABSENCE OF CORPUS CALLOSUM. Identifiers: Orphanet 36, MedGen C0796147, MONDO:0008708, OMIM 200990.

Submission:

Labcorp Genetics (formerly Invitae), Labcorp
Classification: Pathogenic for Acrocallosal syndrome. Last evaluated: 2024-02-23. Review status: criteria provided, single submitter. Criteria: Invitae Variant Classification Sherloc (09022015). Collection method: clinical testing. Allele origin: germline.
Comment: This sequence change creates a premature translational stop signal (p.Gln1132*) in the KIF7 gene. It is expected to result in an absent or disrupted protein product. Loss-of-function variants in KIF7 are known to be pathogenic (PMID: 19666503, 21552264, 21633164, 26648833). This variant is not present in population databases (gnomAD no frequency). This variant has not been reported in the literature in individuals affected with KIF7-related conditions. For these reasons, this variant has been classified as Pathogenic.

Literature cited by the submitters: PubMed 19666503; PubMed 21552264; PubMed 21633164; PubMed 26648833.

NM_198525.3(KIF7):c.3394C>T (p.Gln1132Ter)

Genes: KIF7 (kinesin family member 7; minus strand), LOC126862216 (BRD4-independent group 4 enhancer GRCh37_chr15:90171995-90173194; plus strand). Cytogenetic location: 15q26.1.
Variant type: single nucleotide variant.
Coding change: c.3394C>T on transcript NM_198525.3 (MANE Select); coding-DNA position 3394, C replaced by T.
Protein change: p.Gln1132Ter; replaces glutamine 1132 with a stop codon.
Molecular consequence: nonsense.
Genome position (GRCh38, 1-based): chr15:89,629,498, G>A on the plus strand (C>T on the coding strand, the complement: KIF7 is on the minus strand). VCF-style: chr15-89629498-G-A. GRCh37 (hg19) VCF-style: chr15-90172729-G-A.
Other names: short protein forms Q1132*.
Identifiers: ClinVar variation 2695136 (VCV002695136.3), dbSNP rs2505415311, ClinGen allele CA393755612.
Genomic context (GRCh38, chr15:89,629,498, plus strand): 5'-GGCGGTCCATCTCCAGGCGCTGCCGCTCCAGGGCCACCTCCAGCCAGTACACCAGCCTCT[G>A]CTGCTCCTCCAGCTGCATCTCCAGTTCCGAGAAGGCAATCTGCTGCTGGTGCTGCTCCTC-3'